The following is an entry in ClinVar:

ClinVar aggregate classification (germline): Uncertain significance (1 of 4 stars; one submission).

Conditions:
EGFR-related lung cancer (EGFR). Identifiers: MedGen CN130014.

Allele frequency attached by ClinVar (database versions not stated): gnomAD exomes below 0.00001.
gnomAD v4.1: 1 of 1,613,644 alleles (0.000062%); highest among the groups gnomAD compares: Non-Finnish European, 0.000085%; no homozygotes.

Submission:

Labcorp Genetics (formerly Invitae), Labcorp
Classification: Uncertain significance for EGFR-related lung cancer. Last evaluated: 2025-10-16. Review status: criteria provided, single submitter. Criteria: Invitae Variant Classification Sherloc (09022015). Collection method: clinical testing. Allele origin: germline.
Comment: This sequence change replaces serine, which is neutral and polar, with glycine, which is neutral and non-polar, at codon 492 of the EGFR protein (p.Ser492Gly). This variant is not present in population databases (gnomAD no frequency). This variant has not been reported in the literature in individuals affected with EGFR-related conditions. ClinVar contains an entry for this variant (Variation ID: 376100). Invitae Evidence Modeling of protein sequence and biophysical properties (such as structural, functional, and spatial information, amino acid conservation, physicochemical variation, residue mobility, and thermodynamic stability) indicates that this missense variant is not expected to disrupt EGFR protein function with a negative predictive value of 80%. In summary, the available evidence is currently insufficient to determine the role of this variant in disease. Therefore, it has been classified as a Variant of Uncertain Significance.

NM_005228.5(EGFR):c.1474A>G (p.Ser492Gly)

Gene: EGFR (epidermal growth factor receptor; plus strand). Cytogenetic location: 7p11.2.
Variant type: single nucleotide variant.
Coding change: c.1474A>G on transcript NM_005228.5 (MANE Select); coding-DNA position 1474, A replaced by G.
Protein change: p.Ser492Gly; replaces serine 492 with glycine.
Molecular consequence: missense variant.
Genome position (GRCh38, 1-based): chr7:55,160,314, A>G. VCF-style: chr7-55160314-A-G. GRCh37 (hg19) VCF-style: chr7-55228007-A-G.
Other names: c.1339A>G, p.Ser447Gly (NM_001346897.2, NM_001346899.2); c.1474A>G, p.Ser492Gly (NM_001346898.2, NM_201282.2, NM_201284.2); c.1315A>G, p.Ser439Gly (NM_001346900.2); c.673A>G, p.Ser225Gly (NM_001346941.2); short protein forms S492G, S225G, S439G, S447G.
Identifiers: ClinVar variation 376100 (VCV000376100.7), dbSNP rs1057519760, ClinGen allele CA16602560.